The following is an entry in ClinVar:

NM_005732.4(RAD50):c.3842A>C (p.Glu1281Ala)

Genes: RAD50 (RAD50 double strand break repair protein; plus strand), TH2LCRR (T helper type 2 locus control region associated RNA; minus strand). Cytogenetic location: 5q31.1.
Variant type: single nucleotide variant.
Coding change: c.3842A>C on transcript NM_005732.4 (MANE Select); coding-DNA position 3842, A replaced by C.
Protein change: p.Glu1281Ala; replaces glutamic acid 1281 with alanine.
Molecular consequence: missense variant. On other transcripts: non-coding transcript variant (1).
Genome position (GRCh38, 1-based): chr5:132,642,267, A>C. VCF-style: chr5-132642267-A-C. GRCh37 (hg19) VCF-style: chr5-131977959-A-C.
Other names: short protein forms E1281A.
Identifiers: ClinVar variation 216631 (VCV000216631.16), dbSNP rs863224742, ClinGen allele CA336288.

ClinVar aggregate classification (germline): Uncertain significance. Review status: criteria provided, multiple submitters, no conflicts (2 of 4 stars). 2 submissions from 2 submitters: Uncertain significance (2). Last evaluated 2025-08-07.

Conditions:
Hereditary cancer-predisposing syndrome. Also called: Hereditary Cancer Syndrome; Hereditary neoplastic syndrome; Neoplastic Syndromes, Hereditary; Tumor predisposition. Identifiers: Orphanet 140162, MedGen C0027672, MeSH D009386, MONDO:0015356.

Submissions (2):

Labcorp Genetics (formerly Invitae), Labcorp
Classification: Uncertain significance for Hereditary cancer-predisposing syndrome. Last evaluated: 2025-08-07. Review status: criteria provided, single submitter. Criteria: Invitae Variant Classification Sherloc (09022015). Collection method: clinical testing. Allele origin: germline.
Comment: This sequence change replaces glutamic acid, which is acidic and polar, with alanine, which is neutral and non-polar, at codon 1281 of the RAD50 protein (p.Glu1281Ala). This variant is not present in population databases (gnomAD no frequency). This variant has not been reported in the literature in individuals affected with RAD50-related conditions. ClinVar contains an entry for this variant (Variation ID: 216631). Invitae Evidence Modeling of protein sequence and biophysical properties (such as structural, functional, and spatial information, amino acid conservation, physicochemical variation, residue mobility, and thermodynamic stability) indicates that this missense variant is not expected to disrupt RAD50 protein function with a negative predictive value of 80%. In summary, the available evidence is currently insufficient to determine the role of this variant in disease. Therefore, it has been classified as a Variant of Uncertain Significance.

Ambry Genetics
Classification: Uncertain significance for Hereditary cancer-predisposing syndrome. Last evaluated: 2015-01-12. Review status: criteria provided, single submitter. Criteria: Ambry Variant Classification Scheme 2023. Collection method: clinical testing. Allele origin: germline.
Comment: The p.E1281A variant (also known as c.3842A>C), located in coding exon 25 of the RAD50 gene, results from an A to C substitution at nucleotide position 3842. The glutamic acid at codon 1281 is replaced by alanine, an amino acid with dissimilar properties. This variant was not reported in population based cohorts in the following databases: Database of Single Nucleotide Polymorphisms (dbSNP), NHLBI Exome Sequencing Project (ESP), and 1000 Genomes Project. In the ESP, this variant was not observed in 6503 samples (13006 alleles) with coverage at this position. To date, this alteration has been detected with an allele frequency of approximately 0.003% (greater than 40000 alleles tested) in our clinical cohort. This amino acid position is well conserved in available vertebrate species. In addition, the in silico prediction for this alteration is inconclusive. Since supporting evidence is limited at this time, the clinical significance of p.E1281A remains unclear.